The following is an entry in ClinVar:

NM_015971.4(MRPS7):c.576G>T (p.Arg192=)

Gene: MRPS7 (mitochondrial ribosomal protein S7; plus strand). Cytogenetic location: 17q25.1.
Variant type: single nucleotide variant.
Coding change: c.576G>T on transcript NM_015971.4 (MANE Select); coding-DNA position 576, G replaced by T.
Protein change: p.Arg192=; no amino-acid change (arginine 192 retained).
Molecular consequence: synonymous variant.
Genome position (GRCh38, 1-based): chr17:75,265,770, G>T. VCF-style: chr17-75265770-G-T. GRCh37 (hg19) VCF-style: chr17-73261851-G-T.
Identifiers: ClinVar variation 1317391 (VCV001317391.8), dbSNP rs112961013, ClinGen allele CA8760450.

ClinVar aggregate classification (germline): Likely benign. Review status: criteria provided, multiple submitters, no conflicts (2 of 4 stars). 3 submissions from 3 submitters: Likely benign (2). 1 of the submissions does not count toward it. Last evaluated 2024-02-24.

Conditions:
MRPS7-related disorder. Also called: MRPS7-related condition.

Allele frequency attached by ClinVar (database versions not stated): gnomAD 0.00004 and 0.00005; TOPMed 0.00006.

Submissions (3):

Labcorp Genetics (formerly Invitae), Labcorp
Classification: Likely benign. Last evaluated: 2024-02-24. Review status: criteria provided, single submitter. Criteria: Invitae Variant Classification Sherloc (09022015). Collection method: clinical testing. Allele origin: germline.

GeneDx
Classification: Likely benign. Last evaluated: 2020-11-23. Review status: criteria provided, single submitter. Criteria: GeneDx Variant Classification Process June 2021. Collection method: clinical testing. Allele origin: germline. Affected: yes.

PreventionGenetics, part of Exact Sciences
Classification: Likely benign for MRPS7-related condition. Last evaluated: 2019-12-09. Review status: no assertion criteria provided. Collection method: clinical testing. Allele origin: germline. Not counted in ClinVar's aggregate classification.
Comment: This variant is classified as likely benign based on ACMG/AMP sequence variant interpretation guidelines (Richards et al. 2015 PMID: 25741868, with internal and published modifications).